The following is an entry in ClinVar:

NC_012920.1(MT-ND5):m.13117A>G

Gene: MT-ND5 (mitochondrially encoded NADH dehydrogenase 5; plus strand).
Variant type: single nucleotide variant.
Genome position: chrM-13117-A-G.
Identifiers: ClinVar variation 693522 (VCV000693522.1), dbSNP rs878966690, ClinGen allele CA337099630.
Genomic context (GRCh38, chrMT:13,117, plus strand): 5'-ACCCCAGTCTCAGCCCTACTCCACTCAAGCACTATAGTTGTAGCAGGAATCTTCTTACTC[A>G]TCCGCTTCCACCCCCTAGCAGAAAATAGCCCACTAATCCAAACTCTAACACTATGCTTAG-3'

ClinVar aggregate classification (germline): Benign (1 of 4 stars; one submission).

Conditions:
Leigh syndrome (NULS). Also called: Leigh's necrotizing encephalopathy; Leigh's disease; Leigh Syndrome (mtDNA deletion); Leigh Disease; Subacute necrotizing encephalopathy; Necrotizing encephalopathy infantile subacute of Leigh. Identifiers: Orphanet 506, MedGen C2931891, MONDO:0009723, OMIM 256000.

Submission:

Wong Mito Lab, Molecular and Human Genetics, Baylor College of Medicine
Classification: Benign for Leigh syndrome. Last evaluated: 2019-10-17. Review status: criteria provided, single submitter. Criteria: Modified ACMG Guidelines (Unpublished). Collection method: clinical testing. Allele origin: germline.
Comment: The NC_012920.1:m.13117A>G (YP_003024036.1:p.Ile261Val) variant in MTND5 gene is interpretated to be a Benign variant based on the modified ACMG guidelines (unpublished). This variant meets the following evidence codes: BS1, BS2